The following is an entry in ClinVar:

ClinVar aggregate classification (germline): Likely benign (0 of 4 stars; one submission).

Conditions:
MYO16-related disorder. Also called: MYO16-related condition.

Allele frequency attached by ClinVar (database versions not stated): ESP Exome Variant Server 0.00023; ExAC 0.00031; gnomAD exomes 0.00035.
gnomAD v4.1: 547 of 1,604,580 alleles (0.034%); highest among the groups gnomAD compares: Non-Finnish European, 0.043%; no homozygotes.

Submission:

PreventionGenetics, part of Exact Sciences
Classification: Likely benign for MYO16-related condition. Last evaluated: 2019-06-11. Review status: no assertion criteria provided. Collection method: clinical testing. Allele origin: germline.
Comment: This variant is classified as likely benign based on ACMG/AMP sequence variant interpretation guidelines (Richards et al. 2015 PMID: 25741868, with internal and published modifications).

NM_001198950.3(MYO16):c.1638A>G (p.Thr546=)

Gene: MYO16 (myosin XVI; plus strand). Cytogenetic location: 13q33.3.
Variant type: single nucleotide variant.
Coding change: c.1638A>G on transcript NM_001198950.3 (MANE Select); coding-DNA position 1638, A replaced by G.
Protein change: p.Thr546=; no amino-acid change (threonine 546 retained).
Molecular consequence: synonymous variant.
Genome position (GRCh38, 1-based): chr13:108,888,456, A>G. VCF-style: chr13-108888456-A-G. GRCh37 (hg19) VCF-style: chr13-109540804-A-G.
Other names: c.1572A>G, p.Thr524= (NM_015011.3).
Identifiers: ClinVar variation 3034017 (VCV003034017.2), dbSNP rs147534854, ClinGen allele CA7044817.